The following is an entry in ClinVar:

NM_002471.4(MYH6):c.3979-14C>G

Gene: MYH6 (myosin heavy chain 6; minus strand). Cytogenetic location: 14q11.2.
Variant type: single nucleotide variant.
Coding change: c.3979-14C>G on transcript NM_002471.4 (MANE Select); 14 bases into the intron before coding-DNA position 3979, C replaced by G.
Molecular consequence: intron variant.
Genome position (GRCh38, 1-based): chr14:23,389,069, G>C on the plus strand (C>G on the coding strand, the complement: MYH6 is on the minus strand). VCF-style: chr14-23389069-G-C. GRCh37 (hg19) VCF-style: chr14-23858278-G-C.
Identifiers: ClinVar variation 508822 (VCV000508822.11), dbSNP rs372226248, ClinGen allele CA7114987.

ClinVar aggregate classification (germline): Likely benign. Review status: criteria provided, multiple submitters, no conflicts (2 of 4 stars). 4 submissions from 4 submitters: Likely benign (2). 2 of the submissions do not count toward it. Last evaluated 2025-11-17.

Conditions:
Hypertrophic cardiomyopathy 14. Identifiers: MedGen C2750467, MONDO:0013197, OMIM 613251.

Allele frequency attached by ClinVar (database versions not stated): TOPMed 0.00021.
gnomAD v4.1: 130 of 1,528,596 alleles (0.0085%); highest among the groups gnomAD compares: Middle Eastern, 0.087%; no homozygotes.

Submissions (4):

Labcorp Genetics (formerly Invitae), Labcorp
Classification: Likely benign for Hypertrophic cardiomyopathy 14. Last evaluated: 2025-11-17. Review status: criteria provided, single submitter. Criteria: Invitae Variant Classification Sherloc (09022015). Collection method: clinical testing. Allele origin: germline.

GeneDx
Classification: Likely benign. Last evaluated: 2017-07-26. Review status: criteria provided, single submitter. Criteria: GeneDx Variant Classification (06012015). Collection method: clinical testing. Allele origin: germline. Affected: yes.
Comment: This variant is considered likely benign or benign based on one or more of the following criteria: it is a conservative change, it occurs at a poorly conserved position in the protein, it is predicted to be benign by multiple in silico algorithms, and/or has population frequency not consistent with disease.

Clinical Genetics, Academic Medical Center
Classification: Benign. Review status: no assertion criteria provided. Collection method: clinical testing. Allele origin: germline. Affected: yes. Study: VKGL Data-share Consensus. Not counted in ClinVar's aggregate classification.

Diagnostic Laboratory, Department of Genetics, University Medical Center Groningen
Classification: Likely benign. Review status: no assertion criteria provided. Collection method: clinical testing. Allele origin: germline. Affected: yes. Study: VKGL Data-share Consensus. Not counted in ClinVar's aggregate classification.